The following is an entry in ClinVar:

NM_020166.5(MCCC1):c.1790dup (p.Tyr597Ter)

Gene: MCCC1 (methylcrotonyl-CoA carboxylase subunit 1; minus strand). Cytogenetic location: 3q27.1.
Variant type: Duplication.
Coding change: c.1790dup on transcript NM_020166.5 (MANE Select); coding-DNA position 1790, one base duplicated (A; older notation c.1790dupA).
Protein change: p.Tyr597Ter; replaces tyrosine 597 with a stop codon.
Molecular consequence: nonsense. On other transcripts: non-coding transcript variant (2).
Genome position (GRCh38, 1-based): chr3:183,022,496, T duplicated on the plus strand (A on the coding strand, the reverse complement: MCCC1 is on the minus strand). VCF-style (leftmost placement, unchanged base first): chr3-183022495-G-GT. GRCh37 (hg19) VCF-style: chr3-182740283-G-GT.
Other names: c.1439dup, p.Tyr480Ter (NM_001293273.2); c.1463dup, p.Tyr488Ter (NM_001363880.1); short protein forms Y480*, Y488*, Y597*.
Identifiers: ClinVar variation 1217132 (VCV001217132.4), dbSNP rs2108441527, ClinGen allele CA2499216604.

ClinVar aggregate classification (germline): Pathogenic. Review status: criteria provided, multiple submitters, no conflicts (2 of 4 stars). 2 submissions from 2 submitters: Pathogenic (2). Last evaluated 2025-09-10.

Conditions:
3-methylcrotonyl-CoA carboxylase 1 deficiency (MCC1D). Also called: MCCD TYPE 1; METHYLCROTONYLGLYCINURIA TYPE I; MCC 1 deficiency; 3 Alpha methylcrotonylglycinuria 1. Identifiers: Orphanet 6, MedGen CN028786, MONDO:0008861, OMIM 210200.

Submissions (2):

Genomic Medicine Center of Excellence, King Faisal Specialist Hospital and Research Centre
Classification: Pathogenic for 3-methylcrotonyl-CoA carboxylase 1 deficiency. Last evaluated: 2025-09-10. Review status: criteria provided, single submitter. Criteria: ACMG Guidelines, 2015. Collection method: clinical testing. Allele origin: germline.

GeneDx
Classification: Pathogenic. Last evaluated: 2019-06-19. Review status: criteria provided, single submitter. Criteria: GeneDx Variant Classification Process June 2021. Collection method: clinical testing. Allele origin: germline. Affected: yes.
Comment: Has not been previously published as pathogenic or benign to our knowledge; Nonsense variant predicted to result in protein truncation or nonsense mediated decay in a gene for which loss-of-function is a known mechanism of disease; Not observed in large population cohorts (Lek et al., 2016)